The following is an entry in ClinVar:

NM_004304.5(ALK):c.1740G>A (p.Met580Ile)

Gene: ALK (ALK receptor tyrosine kinase; minus strand). Cytogenetic location: 2p23.2.
Variant type: single nucleotide variant.
Coding change: c.1740G>A on transcript NM_004304.5 (MANE Select); coding-DNA position 1740, G replaced by A.
Protein change: p.Met580Ile; replaces methionine 580 with isoleucine.
Molecular consequence: missense variant.
Genome position (GRCh38, 1-based): chr2:29,296,965, C>T on the plus strand (G>A on the coding strand, the complement: ALK is on the minus strand). VCF-style: chr2-29296965-C-T. GRCh37 (hg19) VCF-style: chr2-29519831-C-T.
Other names: short protein forms M580I.
Identifiers: ClinVar variation 837119 (VCV000837119.11), dbSNP rs1460645072, ClinGen allele CA346466214.

ClinVar aggregate classification (germline): Uncertain significance. Review status: criteria provided, multiple submitters, no conflicts (2 of 4 stars). 2 submissions from 2 submitters: Uncertain significance (2). Last evaluated 2025-11-05.

Conditions:
Hereditary cancer-predisposing syndrome. Also called: Neoplastic Syndromes, Hereditary; Hereditary neoplastic syndrome; Tumor predisposition; Hereditary Cancer Syndrome. Identifiers: Orphanet 140162, MedGen C0027672, MeSH D009386, MONDO:0015356.
Neuroblastoma, susceptibility to, 3. Also called: ALK-Related Neuroblastic Tumor Susceptibility. Identifiers: Orphanet 635, MedGen C2751681, MONDO:0013083, OMIM 613014.

Allele frequency attached by ClinVar (database versions not stated): gnomAD exomes below 0.00001 and 0.00001; TOPMed below 0.00001; gnomAD 0.00001.
gnomAD v4.1: 6 of 1,614,082 alleles (0.00037%); highest among the groups gnomAD compares: East Asian, 0.0067%; no homozygotes.

Submissions (2):

Labcorp Genetics (formerly Invitae), Labcorp
Classification: Uncertain significance for Neuroblastoma, susceptibility to, 3. Last evaluated: 2025-11-05. Review status: criteria provided, single submitter. Criteria: Invitae Variant Classification Sherloc (09022015). Collection method: clinical testing. Allele origin: germline.
Comment: This sequence change replaces methionine, which is neutral and non-polar, with isoleucine, which is neutral and non-polar, at codon 580 of the ALK protein (p.Met580Ile). This variant is present in population databases (no rsID available, gnomAD 0.007%). This variant has not been reported in the literature in individuals affected with ALK-related conditions. ClinVar contains an entry for this variant (Variation ID: 837119). An algorithm developed to predict the effect of missense changes on protein structure and function outputs the following: PolyPhen-2: "Benign". The isoleucine amino acid residue is found in multiple mammalian species, which suggests that this missense change does not adversely affect protein function. In summary, the available evidence is currently insufficient to determine the role of this variant in disease. Therefore, it has been classified as a Variant of Uncertain Significance.

Ambry Genetics
Classification: Uncertain significance for Hereditary cancer-predisposing syndrome. Last evaluated: 2024-10-06. Review status: criteria provided, single submitter. Criteria: Ambry Variant Classification Scheme 2023. Collection method: clinical testing. Allele origin: germline.
Comment: The p.M580I variant (also known as c.1740G>A), located in coding exon 9 of the ALK gene, results from a G to A substitution at nucleotide position 1740. The methionine at codon 580 is replaced by isoleucine, an amino acid with highly similar properties. This amino acid position is conserved. In addition, this alteration is predicted to be tolerated by in silico analysis. Since supporting evidence is limited at this time, the clinical significance of this alteration remains unclear.